The following is an entry in ClinVar:

ClinVar aggregate classification (germline): Likely benign (1 of 4 stars; one submission).

Submission:

CeGaT Center for Human Genetics Tuebingen
Classification: Likely benign. Last evaluated: 2025-08-01. Review status: criteria provided, single submitter. Criteria: CeGaT Center For Human Genetics Tuebingen Variant Classification Criteria Version 2. Collection method: clinical testing. Allele origin: germline. Affected: yes. Observed: 1 variant allele.
Comment: GPC3: PM2:Supporting, BP4, BP7

NM_004484.4(GPC3):c.6C>A (p.Ala2=)

Gene: GPC3 (glypican 3; minus strand). Cytogenetic location: Xq26.2.
Variant type: single nucleotide variant.
Coding change: c.6C>A on transcript NM_004484.4 (MANE Select); coding-DNA position 6, C replaced by A.
Protein change: p.Ala2=; no amino-acid change (alanine 2 retained).
Molecular consequence: synonymous variant.
Genome position (GRCh38, 1-based): chrX:133,985,444, G>T on the plus strand (C>A on the coding strand, the complement: GPC3 is on the minus strand). VCF-style: chrX-133985444-G-T. GRCh37 (hg19) VCF-style: chrX-133119471-G-T.
Other names: c.6C>A, p.Ala2= (NM_001164617.2, NM_001164618.2, NM_001164619.2).
Identifiers: ClinVar variation 4084775 (VCV004084775.8).